The following is an entry in ClinVar:

NM_001042472.3(ABHD12):c.453C>T (p.Asn151=)

Gene: ABHD12 (abhydrolase domain containing 12, lysophospholipase; minus strand). Cytogenetic location: 20p11.21.
Variant type: single nucleotide variant.
Coding change: c.453C>T on transcript NM_001042472.3 (MANE Select); coding-DNA position 453, C replaced by T.
Protein change: p.Asn151=; no amino-acid change (asparagine 151 retained).
Molecular consequence: synonymous variant.
Genome position (GRCh38, 1-based): chr20:25,320,288, G>A on the plus strand (C>T on the coding strand, the complement: ABHD12 is on the minus strand). VCF-style: chr20-25320288-G-A. GRCh37 (hg19) VCF-style: chr20-25300924-G-A.
Other names: p.Asn151=; c.453C>T, p.Asn151= (NM_015600.5).
Identifiers: ClinVar variation 337995 (VCV000337995.40), dbSNP rs375299452, ClinGen allele CA9796139.

ClinVar aggregate classification (germline): Conflicting classifications of pathogenicity. Review status: criteria provided, conflicting classifications (1 of 4 stars). 7 submissions from 7 submitters: Uncertain significance (1); Likely benign (5). 1 of the submissions does not count toward it. Last evaluated 2026-08-01.

Conditions:
PHARC syndrome. Also called: Polyneuropathy-hearing loss-ataxia-retinitis pigmentosa-cataract syndrome. Identifiers: Orphanet 171848, MedGen C2675204, MONDO:0012984, OMIM 612674.
ABHD12-related disorder. Also called: ABHD12-related condition.

Allele frequency attached by ClinVar (database versions not stated): ExAC 0.00007; ESP Exome Variant Server 0.00008; gnomAD exomes 0.00008; gnomAD 0.00009; TOPMed 0.00009.
gnomAD v4.1: 125 of 1,613,976 alleles (0.0077%); highest among the groups gnomAD compares: South Asian, 0.018%; no homozygotes.

Submissions (7):

CeGaT Center for Human Genetics Tuebingen
Classification: Likely benign. Last evaluated: 2026-08-01. Review status: criteria provided, single submitter. Criteria: CeGaT Center For Human Genetics Tuebingen Variant Classification Criteria Version 2. Collection method: clinical testing. Allele origin: germline. Affected: yes. Observed: 4 variant alleles.
Comment: ABHD12: BP4, BP7

Labcorp Genetics (formerly Invitae), Labcorp
Classification: Likely benign. Last evaluated: 2025-11-17. Review status: criteria provided, single submitter. Criteria: Invitae Variant Classification Sherloc (09022015). Collection method: clinical testing. Allele origin: germline.

Mayo Clinic Laboratories, Mayo Clinic
Classification: Likely benign. Last evaluated: 2025-05-06. Review status: criteria provided, single submitter. Criteria: ACMG Guidelines, 2015. Collection method: clinical testing. Allele origin: germline. Observed: 1 variant allele.
Comment: BP4, BP7

Laboratory of Genetics, Children's Clinical University Hospital Latvia
Classification: Likely benign. Last evaluated: 2025-02-16. Review status: criteria provided, single submitter. Criteria: ACMG Guidelines, 2015. Collection method: clinical testing. Allele origin: germline. Affected: yes.

Blueprint Genetics
Classification: Likely benign. Last evaluated: 2024-10-28. Review status: criteria provided, single submitter. Criteria: ACMG Guidelines, 2015. Collection method: clinical testing. Allele origin: germline.

Illumina Laboratory Services, Illumina
Classification: Uncertain significance for PHARC syndrome. Last evaluated: 2018-01-12. Review status: criteria provided, single submitter. Criteria: ICSL Variant Classification Criteria 13 December 2019. Collection method: clinical testing. Allele origin: germline.

PreventionGenetics, part of Exact Sciences
Classification: Likely benign for ABHD12-related condition. Last evaluated: 2019-06-18. Review status: no assertion criteria provided. Collection method: clinical testing. Allele origin: germline. Not counted in ClinVar's aggregate classification.
Comment: This variant is classified as likely benign based on ACMG/AMP sequence variant interpretation guidelines (Richards et al. 2015 PMID: 25741868, with internal and published modifications).